The following is an entry in ClinVar:

ClinVar aggregate classification (germline): Pathogenic (1 of 4 stars; one submission).

Submission:

Quest Diagnostics Nichols Institute San Juan Capistrano
Classification: Pathogenic. Last evaluated: 2025-01-21. Review status: criteria provided, single submitter. Criteria: ACMG/ClinGen CNV Guidelines, 2019. Collection method: clinical testing. Allele origin: unknown.
Comment: This deletion involves at least 33 protein-coding genes, including TWIST1 (OMIM 601622). Haploinsufficiency of TWIST1 (CCID:008070) is associated with autosomal dominant Saethre-Chotzen syndrome (SCS) with or without eyelid anomalies. Inter- and intrafamilial variability is significant (OMIM 101400; Gallagher 2019). Deletions that encompass TWIST1 and overlap the current copy number loss interval have been reported in multiple patients with similar, although somewhat variable, clinical features (Kress 2006, Shimbo 2018, Spaggiari 2012). There are no similar copy number losses of this region in the general populations of the Database of Genomic Variants. Thus, this copy number variant (CNV) is classified as pathogenic. References: Gallagher et al. GeneReviews [Jan 24 2019]. PMID: 20301368 Kress et al., Eur J Hum Genet. 2006 Jan;14(1):39-48. PMID: 16251895 Shimbo et al., Congenit Anom (Kyoto). 2018 Jan;58(1):33-35. PMID: 28220539 Spaggiari et al., Eur J Med Genet. 2012 Aug-Sep;55(8-9):498-501. PMID: 22569119

GRCh37/hg19 7p21.1-15.3(chr7:18093509-25363633)x1

Genes: ABCB5 (ATP binding cassette subfamily B member 5; plus strand), CCDC126 (coiled-coil domain containing 126; plus strand), CDCA7L (cell division cycle associated 7 like; minus strand), CYCS (cytochrome c, somatic; minus strand), DNAH11 (dynein axonemal heavy chain 11; plus strand) and 30 more. Cytogenetic location: 7p21.1-15.3.
Variant type: copy number loss.
Change: copy number 1 (one copy instead of two) of chr7:18,093,509-25,363,633 (7.27 Mb, GRCh37 coordinates, 1-based), cytogenetic band 7p21.1-15.3.
Identifiers: ClinVar variation 4682692 (VCV004682692.1).